The following is an entry in ClinVar:

NM_012243.3(SLC35A3):c.340C>T (p.Gln114Ter)

Gene: SLC35A3 (solute carrier family 35 member A3; plus strand). Cytogenetic location: 1p21.2.
Variant type: single nucleotide variant.
Coding change: c.340C>T on transcript NM_012243.3 (MANE Select); coding-DNA position 340, C replaced by T.
Protein change: p.Gln114Ter; replaces glutamine 114 with a stop codon.
Molecular consequence: nonsense.
Genome position (GRCh38, 1-based): chr1:99,999,413, C>T. VCF-style: chr1-99999413-C-T. GRCh37 (hg19) VCF-style: chr1-100464969-C-T.
Other names: c.340C>T, p.Gln114Ter (NM_001271684.2); c.466C>T, p.Gln156Ter (NM_001271685.2); short protein forms Q114*, Q156*.
Identifiers: ClinVar variation 2107218 (VCV002107218.4), dbSNP rs2524432375, ClinGen allele CA341326760.

ClinVar aggregate classification (germline): Pathogenic (1 of 4 stars; one submission).

Conditions:
Autism spectrum disorder - epilepsy - arthrogryposis syndrome (AMRS). Identifiers: Orphanet 370943, MedGen C3809910, MONDO:0014248, OMIM 615553.

Submission:

Labcorp Genetics (formerly Invitae), Labcorp
Classification: Pathogenic for Autism spectrum disorder - epilepsy - arthrogryposis syndrome. Last evaluated: 2023-09-21. Review status: criteria provided, single submitter. Criteria: Invitae Variant Classification Sherloc (09022015). Collection method: clinical testing. Allele origin: germline.
Comment: Algorithms developed to predict the effect of sequence changes on RNA splicing suggest that this variant may disrupt the consensus splice site. This sequence change creates a premature translational stop signal (p.Gln114*) in the SLC35A3 gene. It is expected to result in an absent or disrupted protein product. Loss-of-function variants in SLC35A3 are known to be pathogenic (PMID: 24031089, 28328131). This variant is not present in population databases (gnomAD no frequency). This variant has not been reported in the literature in individuals affected with SLC35A3-related conditions. ClinVar contains an entry for this variant (Variation ID: 2107218). For these reasons, this variant has been classified as Pathogenic.

Literature cited by the submitters: PubMed 24031089; PubMed 28328131.